The following is an entry in ClinVar:

NM_000553.6(WRN):c.2886del (p.Ala963fs)

Gene: WRN (WRN RecQ like helicase; plus strand). Cytogenetic location: 8p12.
Variant type: Deletion.
Coding change: c.2886del on transcript NM_000553.6 (MANE Select); coding-DNA position 2886, one base deleted (A; older notation c.2886delA).
Protein change: p.Ala963fs; shifts the reading frame from alanine 963.
Molecular consequence: frameshift variant.
Genome position (GRCh38, 1-based): chr8:31,132,425, A deleted; the last of 2 consecutive A bases (chr8:31,132,424-31,132,425); deleting either gives the same sequence. VCF-style (leftmost placement, unchanged base first): chr8-31132423-CA-C. GRCh37 (hg19) VCF-style: chr8-30989939-CA-C.
Other names: short protein forms A963fs.
Identifiers: ClinVar variation 1395013 (VCV001395013.6), dbSNP rs2130376964, ClinGen allele CA2573142732.

ClinVar aggregate classification (germline): Pathogenic (1 of 4 stars; one submission).

Conditions:
Werner syndrome (WRN). Identifiers: Orphanet 902, MedGen C0043119, MONDO:0010196, OMIM 277700.

Submission:

Labcorp Genetics (formerly Invitae), Labcorp
Classification: Pathogenic for Werner syndrome. Last evaluated: 2021-08-27. Review status: criteria provided, single submitter. Criteria: Invitae Variant Classification Sherloc (09022015). Collection method: clinical testing. Allele origin: germline.
Comment: This sequence change creates a premature translational stop signal (p.Ala963Hisfs*11) in the WRN gene. It is expected to result in an absent or disrupted protein product. Loss-of-function variants in WRN are known to be pathogenic (PMID: 16673358). For these reasons, this variant has been classified as Pathogenic. This variant has not been reported in the literature in individuals affected with WRN-related conditions. This variant is not present in population databases (ExAC no frequency).

Literature cited by the submitters: PubMed 16673358.